The following is an entry in ClinVar:

NM_001048174.2(MUTYH):c.62G>A (p.Gly21Glu)

Gene: MUTYH (mutY DNA glycosylase; minus strand). Cytogenetic location: 1p34.1.
Variant type: single nucleotide variant.
Coding change: c.62G>A on transcript NM_001048174.2 (MANE Select); coding-DNA position 62, G replaced by A.
Protein change: p.Gly21Glu; replaces glycine 21 with glutamic acid.
Molecular consequence: missense variant. On other transcripts: 5 prime UTR variant (7), non-coding transcript variant (7).
Genome position (GRCh38, 1-based): chr1:45,334,444, C>T on the plus strand (G>A on the coding strand, the complement: MUTYH is on the minus strand). VCF-style: chr1-45334444-C-T. GRCh37 (hg19) VCF-style: chr1-45800116-C-T.
Other names: c.62G>A, p.Gly21Glu (NM_001048171.2, NM_001048172.2, NM_001048173.2 and 15 more transcripts); c.104G>A, p.Gly35Glu (NM_001128425.2, NM_001293190.2, NM_001407069.1 and 2 more transcripts); c.-151G>A (NM_001293192.2, NM_001293196.2, NM_001407091.1); c.-210G>A (NM_001350650.2); c.-146G>A (NM_001350651.2, NM_001407082.1); c.-95G>A (NM_001407075.1); c.80G>A, p.Gly27Glu (NM_001407087.1); short protein forms G21E, G27E, G35E.
Identifiers: ClinVar variation 4112963 (VCV004112963.1).
Genomic context (GRCh38, chr1:45,334,444, plus strand): 5'-TCCTTACCATCACAGGCAGAAGGCTTGGCCTGACTGTTGTTCTTAGCATGCTTCTGCCTC[C>T]CTTCCTGGCTGGCTGCCTGCTTCCTGTGACCACTTCCCACGGCTGCTCGTGGCTTCCTCA-3'
Protein context (NP_001041639.1, residues 11-31): GHRKQAASQE[Gly21Glu]RQKHAKNNSQ

ClinVar aggregate classification (germline): Uncertain significance (1 of 4 stars; one submission).

Conditions:
Hereditary cancer-predisposing syndrome. Also called: Tumor predisposition; Neoplastic Syndromes, Hereditary; Hereditary neoplastic syndrome; Hereditary Cancer Syndrome. Identifiers: Orphanet 140162, MedGen C0027672, MeSH D009386, MONDO:0015356.

Submission:

Ambry Genetics
Classification: Uncertain significance for Hereditary cancer-predisposing syndrome. Last evaluated: 2025-08-27. Review status: criteria provided, single submitter. Criteria: Ambry Variant Classification Scheme 2023. Collection method: clinical testing. Allele origin: germline.
Comment: The p.G35E variant (also known as c.104G>A), located in coding exon 2 of the MUTYH gene, results from a G to A substitution at nucleotide position 104. The glycine at codon 35 is replaced by glutamic acid, an amino acid with similar properties. This amino acid position is conserved. In addition, this alteration is predicted to be tolerated by in silico analysis. Based on the available evidence, the clinical significance of this variant remains unclear.